The following is an entry in ClinVar:

NM_006231.4(POLE):c.6512_6513del (p.Lys2171fs)

Gene: POLE (DNA polymerase epsilon, catalytic subunit; minus strand). Cytogenetic location: 12q24.33.
Variant type: Deletion.
Coding change: c.6512_6513del on transcript NM_006231.4 (MANE Select); coding-DNA positions 6512 to 6513, 2 bases deleted (AA; older notation c.6512_6513delAA).
Protein change: p.Lys2171fs; shifts the reading frame from lysine 2171.
Molecular consequence: frameshift variant.
Genome position (GRCh38, 1-based): chr12:132,626,135-132,626,136, TT deleted on the plus strand (AA on the coding strand, the reverse complement: POLE is on the minus strand); deleting any 2 consecutive bases within chr12:132,626,135-132,626,137 gives the same sequence; the c. name uses the placement nearest the transcript's 3' end. VCF-style (leftmost placement, unchanged base first): chr12-132626134-CTT-C. GRCh37 (hg19) VCF-style: chr12-133202720-CTT-C.
Other names: short protein forms K2171fs.
Identifiers: ClinVar variation 1413626 (VCV001413626.6), dbSNP rs2138430479, ClinGen allele CA2573148105.

ClinVar aggregate classification (germline): Uncertain significance (1 of 4 stars; one submission).

Submission:

Labcorp Genetics (formerly Invitae), Labcorp
Classification: Uncertain significance. Last evaluated: 2021-10-29. Review status: criteria provided, single submitter. Criteria: Invitae Variant Classification Sherloc (09022015). Collection method: clinical testing. Allele origin: germline.
Comment: In summary, the available evidence is currently insufficient to determine the role of this variant in disease. Therefore, it has been classified as a Variant of Uncertain Significance. This variant has not been reported in the literature in individuals affected with POLE-related conditions. This variant is not present in population databases (gnomAD no frequency). This sequence change results in a frameshift in the POLE gene (p.Lys2171Argfs*132). While this is not anticipated to result in nonsense mediated decay, it is expected to disrupt the last 116 amino acid(s) of the POLE protein and extend the protein by 15 additional amino acid residues.